The following is an entry in ClinVar:

NM_001110556.2(FLNA):c.2437G>A (p.Gly813Arg)

Gene: FLNA (filamin A; minus strand). Cytogenetic location: Xq28.
Variant type: single nucleotide variant.
Coding change: c.2437G>A on transcript NM_001110556.2 (MANE Select); coding-DNA position 2437, G replaced by A.
Protein change: p.Gly813Arg; replaces glycine 813 with arginine.
Molecular consequence: missense variant.
Genome position (GRCh38, 1-based): chrX:154,362,546, C>T on the plus strand (G>A on the coding strand, the complement: FLNA is on the minus strand). VCF-style: chrX-154362546-C-T. GRCh37 (hg19) VCF-style: chrX-153590914-C-T.
Other names: c.2437G>A, p.Gly813Arg (NM_001456.4); short protein forms G813R.
Identifiers: ClinVar variation 1354111 (VCV001354111.9), dbSNP rs782276414, ClinGen allele CA10560923.
Genomic context (GRCh38, chrX:154,362,546, plus strand): 5'-TGTCATTGTCATTGCGGATGATGTCGAAGTCGATGTCAGCTTCGGCGGGGCCTACCACTC[C>T]AGGGGCACACTTGATGCCGATGCTGACGTCCCCTGCGGCGGGGAGAGGAGCGGAGGCTGA-3'
Protein context (NP_001104026.1, residues 803-823): DVSIGIKCAP[Gly813Arg]VVGPAEADID

ClinVar aggregate classification (germline): Conflicting classifications of pathogenicity. Review status: criteria provided, conflicting classifications (1 of 4 stars). 2 submissions from 2 submitters: Uncertain significance (1); Likely benign (1). Last evaluated 2021-06-02.

Conditions:
Frontometaphyseal dysplasia (FMD1). Identifiers: Orphanet 1826, MedGen C0265293, MONDO:0015942.
Oto-palato-digital syndrome, type II (OPD2). Also called: FACIOPALATOOSSEOUS SYNDROME; OPD II SYNDROME; Otopalatodigital Syndrome, Type II; Otopalatodigital Syndrome Type 2 (FLNA-OPD2). Identifiers: Orphanet 669, Orphanet 90652, MedGen C1844696, MONDO:0010571, OMIM 304120.
Heterotopia, periventricular, X-linked dominant (PVNH1). Also called: PERIVENTRICULAR NODULAR HETEROTOPIA 4; HETEROTOPIA, PERIVENTRICULAR, 1; PERIVENTRICULAR NODULAR HETEROTOPIA 1; X-linked periventricular heterotopia. Identifiers: Orphanet 2149, Orphanet 82004, MedGen C1848213, MONDO:0010233, OMIM 300049.
Melnick-Needles syndrome (MNS). Also called: MELNICK-NEEDLES OSTEODYSPLASTY; OSTEODYSPLASTY OF MELNICK AND NEEDLES; Melnick-Needles Syndrome (FLNA-MNS). Identifiers: Orphanet 2484, MedGen C0025237, MONDO:0010650, OMIM 309350.

Allele frequency attached by ClinVar (database versions not stated): gnomAD exomes 0.00002 and 0.00003; ExAC 0.00006.
gnomAD v4.1: 14 of 1,211,542 alleles (0.0012%); highest among the groups gnomAD compares: Non-Finnish European, 0.00089%; no homozygotes.

Submissions (2):

Blueprint Genetics
Classification: Likely benign. Last evaluated: 2021-06-02. Review status: criteria provided, single submitter. Criteria: ACMG Guidelines, 2015. Collection method: clinical testing. Allele origin: germline.

Labcorp Genetics (formerly Invitae), Labcorp
Classification: Uncertain significance for Oto-palato-digital syndrome, type II; Heterotopia, periventricular, X-linked dominant; Frontometaphyseal dysplasia; Melnick-Needles syndrome. Last evaluated: 2021-04-24. Review status: criteria provided, single submitter. Criteria: Invitae Variant Classification Sherloc (09022015). Collection method: clinical testing. Allele origin: germline.
Comment: In summary, the available evidence is currently insufficient to determine the role of this variant in disease. Therefore, it has been classified as a Variant of Uncertain Significance. Algorithms developed to predict the effect of sequence changes on RNA splicing suggest that this variant may create or strengthen a splice site, but this prediction has not been confirmed by published transcriptional studies. Advanced modeling of protein sequence and biophysical properties (such as structural, functional, and spatial information, amino acid conservation, physicochemical variation, residue mobility, and thermodynamic stability) performed at Invitae indicates that this missense variant is not expected to disrupt FLNA protein function. This variant has not been reported in the literature in individuals with FLNA-related conditions. This variant is present in population databases (rs782276414, ExAC 0.02%). This sequence change replaces glycine with arginine at codon 813 of the FLNA protein (p.Gly813Arg). The glycine residue is highly conserved and there is a moderate physicochemical difference between glycine and arginine.